The following is an entry in ClinVar:

ClinVar aggregate classification (germline): Uncertain significance (1 of 4 stars; one submission).

Conditions:
Cardiovascular phenotype. Identifiers: MedGen CN230736.

gnomAD v4.1: 1 of 1,183,176 alleles (0.000085%); highest among the groups gnomAD compares: South Asian, 0.0029%; no homozygotes.

Submission:

Ambry Genetics
Classification: Uncertain significance for Cardiovascular phenotype. Last evaluated: 2026-03-12. Review status: criteria provided, single submitter. Criteria: Ambry Variant Classification Scheme 2023. Collection method: clinical testing. Allele origin: germline.
Comment: The p.R61G variant (also known as c.181C>G), located in coding exon 1 of the FOXE3 gene, results from a C to G substitution at nucleotide position 181. The arginine at codon 61 is replaced by glycine, an amino acid with dissimilar properties. This amino acid position is conserved. In addition, this alteration is predicted to be tolerated by in silico analysis. Based on the available evidence, the clinical significance of this variant remains unclear.

NM_012186.3(FOXE3):c.181C>G (p.Arg61Gly)

Genes: LINC01389 (long intergenic non-protein coding RNA 1389; minus strand), FOXE3 (forkhead box E3; plus strand). Cytogenetic location: 1p33.
Variant type: single nucleotide variant.
Coding change: c.181C>G on transcript NM_012186.3 (MANE Select); coding-DNA position 181, C replaced by G.
Protein change: p.Arg61Gly; replaces arginine 61 with glycine.
Molecular consequence: missense variant.
Genome position (GRCh38, 1-based): chr1:47,416,496, C>G. VCF-style: chr1-47416496-C-G. GRCh37 (hg19) VCF-style: chr1-47882168-C-G.
Other names: short protein forms R61G.
Identifiers: ClinVar variation 4825928 (VCV004825928.1).